The following is an entry in ClinVar:

ClinVar aggregate classification (germline): Uncertain significance (1 of 4 stars; one submission).

Submission:

Labcorp Genetics (formerly Invitae), Labcorp
Classification: Uncertain significance. Last evaluated: 2022-11-08. Review status: criteria provided, single submitter. Criteria: Invitae Variant Classification Sherloc (09022015). Collection method: clinical testing. Allele origin: germline.
Comment: In summary, the available evidence is currently insufficient to determine the role of this variant in disease. Therefore, it has been classified as a Variant of Uncertain Significance. Advanced modeling of protein sequence and biophysical properties (such as structural, functional, and spatial information, amino acid conservation, physicochemical variation, residue mobility, and thermodynamic stability) performed at Invitae indicates that this missense variant is not expected to disrupt SLC34A3 protein function. This variant has not been reported in the literature in individuals affected with SLC34A3-related conditions. This variant is not present in population databases (gnomAD no frequency). This sequence change replaces leucine, which is neutral and non-polar, with phenylalanine, which is neutral and non-polar, at codon 318 of the SLC34A3 protein (p.Leu318Phe).

NM_001177316.2(SLC34A3):c.952C>T (p.Leu318Phe)

Gene: SLC34A3 (solute carrier family 34 member 3; plus strand). Cytogenetic location: 9q34.3.
Variant type: single nucleotide variant.
Coding change: c.952C>T on transcript NM_001177316.2 (MANE Select); coding-DNA position 952, C replaced by T.
Protein change: p.Leu318Phe; replaces leucine 318 with phenylalanine.
Molecular consequence: missense variant.
Genome position (GRCh38, 1-based): chr9:137,234,135, C>T. VCF-style: chr9-137234135-C-T. GRCh37 (hg19) VCF-style: chr9-140128587-C-T.
Other names: c.952C>T, p.Leu318Phe (NM_001177317.2, NM_080877.3); short protein forms L318F.
Identifiers: ClinVar variation 2130299 (VCV002130299.4), dbSNP rs2538811933, ClinGen allele CA375735596.
Genomic context (GRCh38, chr9:137,234,135, plus strand): 5'-GGCTCCCCCTCACCTGCCCCTGCCCTGCCCCCAGGCCGCCACCTGTTTGCGGGCACGGAG[C>T]TCACGGACCTGGCCGTGGGCTGCATCCTGCTGGCCGGCTCCCTGCTGGTGCTCTGCGGCT-3'
Protein context (NP_001170787.2, residues 308-328): PCRHLFAGTE[Leu318Phe]TDLAVGCILL